The following is an entry in ClinVar:

NM_004817.4(TJP2):c.2852G>A (p.Arg951His)

Gene: TJP2 (tight junction protein 2; plus strand). Cytogenetic location: 9q21.11.
Variant type: single nucleotide variant.
Coding change: c.2852G>A on transcript NM_004817.4 (MANE Select); coding-DNA position 2852, G replaced by A.
Protein change: p.Arg951His; replaces arginine 951 with histidine.
Molecular consequence: missense variant. On other transcripts: intron variant (1).
Genome position (GRCh38, 1-based): chr9:69,248,196, G>A. VCF-style: chr9-69248196-G-A. GRCh37 (hg19) VCF-style: chr9-71863112-G-A.
Other names: c.2783G>A, p.Arg928His (NM_001170414.2, NM_001369871.1); c.2864G>A, p.Arg955His (NM_001170415.1, NM_001369874.1, NM_001369875.1); c.2945G>A, p.Arg982His (NM_001170416.2); c.2777G>A, p.Arg926His (NM_001369870.1); c.2852G>A, p.Arg951His (NM_001369872.1, NM_201629.3); c.2667+1406G>A (NM_001369873.1); c.2852G>A (NM_004817.3); short protein forms R982H, R926H, R928H, R955H, R951H.
Identifiers: ClinVar variation 1482430 (VCV001482430.10), dbSNP rs368776552, ClinGen allele CA5073785.

ClinVar aggregate classification (germline): Uncertain significance. Review status: criteria provided, multiple submitters, no conflicts (2 of 4 stars). 5 submissions from 5 submitters: Uncertain significance (5). Last evaluated 2024-06-13.

Conditions:
TJP2-related disorder. Also called: TJP2-related condition.
Inborn genetic diseases. Identifiers: MedGen C0950123, MeSH D030342.

Allele frequency attached by ClinVar (database versions not stated): gnomAD exomes 0.00009 and 0.00011; ExAC 0.00013; ESP Exome Variant Server 0.00015; gnomAD 0.00017 and 0.00018; 1000 Genomes Project 0.00020; TOPMed 0.00024; 1000 Genomes Project 30x 0.00031.
gnomAD v4.1: 168 of 1,608,718 alleles (0.01%); highest among the groups gnomAD compares: Middle Eastern, 0.083%; no homozygotes.

Submissions (5):

Ambry Genetics
Classification: Uncertain significance for Inborn genetic diseases. Last evaluated: 2024-06-13. Review status: criteria provided, single submitter. Criteria: Ambry Variant Classification Scheme 2023. Collection method: clinical testing. Allele origin: germline.

Blueprint Genetics
Classification: Uncertain significance. Last evaluated: 2024-04-12. Review status: criteria provided, single submitter. Criteria: ACMG Guidelines, 2015. Collection method: clinical testing. Allele origin: germline.

PreventionGenetics, part of Exact Sciences
Classification: Uncertain significance for TJP2-related condition. Last evaluated: 2023-08-03. Review status: criteria provided, single submitter. Criteria: ACMG Guidelines, 2015. Collection method: clinical testing. Allele origin: germline.
Comment: The TJP2 c.2852G>A variant is predicted to result in the amino acid substitution p.Arg951His. To our knowledge, this variant has not been reported in the literature. This variant is reported in 0.018% of alleles in individuals of European (Non-Finnish) descent in gnomAD. At this time, the clinical significance of this variant is uncertain due to the absence of conclusive functional and genetic evidence.

Labcorp Genetics (formerly Invitae), Labcorp
Classification: Uncertain significance. Last evaluated: 2022-05-07. Review status: criteria provided, single submitter. Criteria: Invitae Variant Classification Sherloc (09022015). Collection method: clinical testing. Allele origin: germline.
Comment: This sequence change replaces arginine, which is basic and polar, with histidine, which is basic and polar, at codon 951 of the TJP2 protein (p.Arg951His). This variant is present in population databases (rs368776552, gnomAD 0.02%). This variant has not been reported in the literature in individuals affected with TJP2-related conditions. Algorithms developed to predict the effect of missense changes on protein structure and function are either unavailable or do not agree on the potential impact of this missense change (SIFT: "Deleterious"; PolyPhen-2: "Probably Damaging"; Align-GVGD: "Class C0"). In summary, the available evidence is currently insufficient to determine the role of this variant in disease. Therefore, it has been classified as a Variant of Uncertain Significance.

Breakthrough Genomics
Classification: Uncertain significance. Review status: criteria provided, single submitter. Criteria: ACMG Guidelines, 2015. Collection method: not provided. Allele origin: germline. Inheritance: Autosomal recessive inheritance. Affected: yes.